The following is an entry in ClinVar:

ClinVar aggregate classification (germline): Conflicting classifications of pathogenicity. Review status: criteria provided, conflicting classifications (1 of 4 stars). 2 submissions from 2 submitters: Uncertain significance (1); Likely benign (1). Last evaluated 2026-01-06.

Conditions:
FG syndrome (FGS). Identifiers: MedGen C0220769, MONDO:0002010.
Familial thoracic aortic aneurysm and aortic dissection (TAAD). Also called: Thoracic aortic aneurysms and dissections. Identifiers: Orphanet 91387, MedGen C4707243, MONDO:0019625.

Submissions (3):

Ambry Genetics
Classification: Likely benign for Familial thoracic aortic aneurysm and aortic dissection. Last evaluated: 2026-01-06. Review status: criteria provided, single submitter. Criteria: Ambry Variant Classification Scheme 2023. Collection method: clinical testing. Allele origin: germline.

Labcorp Genetics (formerly Invitae), Labcorp
Classification: Uncertain significance for FG syndrome. Last evaluated: 2025-12-09. Review status: criteria provided, single submitter. Criteria: Invitae Variant Classification Sherloc (09022015). Collection method: clinical testing. Allele origin: germline.
Comment: This sequence change affects codon 950 of the MED12 mRNA. It is a 'silent' change, meaning that it does not change the encoded amino acid sequence of the MED12 protein. It affects a nucleotide within the consensus splice site. This variant is not present in population databases (gnomAD no frequency). This variant has not been reported in the literature in individuals affected with MED12-related conditions. ClinVar contains an entry for this variant (Variation ID: 1903876). Algorithms developed to predict the effect of sequence changes on RNA splicing suggest that this variant is not likely to affect RNA splicing. In summary, the available evidence is currently insufficient to determine the role of this variant in disease. Therefore, it has been classified as a Variant of Uncertain Significance.

Dr. Peter K. Rogan Lab, Western University
No classification provided (evidence only). Condition: Thyroid cancer, nonmedullary, 1. Review status: no classification provided. Collection method: in vitro. Allele origin: not applicable. Functional consequence: retained intron. Not counted in ClinVar's aggregate classification.

NM_005120.3(MED12):c.2850G>T (p.Gly950=)

Gene: MED12 (mediator complex subunit 12; plus strand). Cytogenetic location: Xq13.1.
Variant type: single nucleotide variant.
Coding change: c.2850G>T on transcript NM_005120.3 (MANE Select); coding-DNA position 2850, G replaced by T.
Protein change: p.Gly950=; no amino-acid change (glycine 950 retained).
Molecular consequence: synonymous variant.
Genome position (GRCh38, 1-based): chrX:71,127,336, G>T. VCF-style: chrX-71127336-G-T. GRCh37 (hg19) VCF-style: chrX-70347186-G-T.
Other names: c.2850G>T (NM_005120.2).
Identifiers: ClinVar variation 1903876 (VCV001903876.7), dbSNP rs2147799254, ClinGen allele CA516819104.